The following is an entry in ClinVar:

NM_001369.3(DNAH5):c.8921G>A (p.Gly2974Asp)

Gene: DNAH5 (dynein axonemal heavy chain 5; minus strand). Cytogenetic location: 5p15.2.
Variant type: single nucleotide variant.
Coding change: c.8921G>A on transcript NM_001369.3 (MANE Select); coding-DNA position 8921, G replaced by A.
Protein change: p.Gly2974Asp; replaces glycine 2974 with aspartic acid.
Molecular consequence: missense variant.
Genome position (GRCh38, 1-based): chr5:13,780,859, C>T on the plus strand (G>A on the coding strand, the complement: DNAH5 is on the minus strand). VCF-style: chr5-13780859-C-T. GRCh37 (hg19) VCF-style: chr5-13780968-C-T.
Other names: c.8921G>A (NM_001369.2); short protein forms G2974D.
Identifiers: ClinVar variation 1648990 (VCV001648990.10), dbSNP rs373899654, ClinGen allele CA3202674.
Genomic context (GRCh38, chr5:13,780,859, plus strand): 5'-GTTAGGTTTGTTAAAGTAAAAGGTTGTCACCTCGTCAGAGTGATCTGGAAGGAAACGTAG[C>T]CAGCAATGAATGAAGCCAACCTCGTCAGGCTCTGCTTTCCTGATCCGCCCACCCCGACCA-3'
Protein context (NP_001360.1, residues 2964-2984): SLTRLASFIA[Gly2974Asp]YVSFQITLTR

ClinVar aggregate classification (germline): Conflicting classifications of pathogenicity. Review status: criteria provided, conflicting classifications (1 of 4 stars). 3 submissions from 3 submitters: Uncertain significance (2); Likely benign (1). Last evaluated 2026-02-10.

Conditions:
Primary ciliary dyskinesia. Also called: Ciliary dyskinesia. Identifiers: Orphanet 244, MedGen C0008780, MONDO:0016575, HP:0012265.

Allele frequency attached by ClinVar (database versions not stated): TOPMed below 0.00001; gnomAD exomes 0.00004 and 0.00011; gnomAD 0.00005; ESP Exome Variant Server 0.00008; ExAC 0.00012; 1000 Genomes Project 0.00040; 1000 Genomes Project 30x 0.00062.
gnomAD v4.1: 70 of 1,613,630 alleles (0.0043%); highest among the groups gnomAD compares: South Asian, 0.067%; no homozygotes.

Submissions (3):

GeneDx
Classification: Uncertain significance. Last evaluated: 2026-02-10. Review status: criteria provided, single submitter. Criteria: GeneDx Variant Classification Process June 2021. Collection method: clinical testing. Allele origin: germline.
Comment: In silico analysis supports that this missense variant has a deleterious effect on protein structure/function; Has not been previously published as pathogenic or benign to our knowledge

Labcorp Genetics (formerly Invitae), Labcorp
Classification: Likely benign for Primary ciliary dyskinesia. Last evaluated: 2025-12-08. Review status: criteria provided, single submitter. Criteria: Invitae Variant Classification Sherloc (09022015). Collection method: clinical testing. Allele origin: germline.

Blueprint Genetics
Classification: Uncertain significance. Last evaluated: 2024-08-13. Review status: criteria provided, single submitter. Criteria: ACMG Guidelines, 2015. Collection method: clinical testing. Allele origin: germline.